The following is an entry in ClinVar:

NM_201384.3(PLEC):c.2535C>T (p.Ser845=)

Gene: PLEC (plectin; minus strand). Cytogenetic location: 8q24.3.
Variant type: single nucleotide variant.
Coding change: c.2535C>T on transcript NM_201384.3 (MANE Select); coding-DNA position 2535, C replaced by T.
Protein change: p.Ser845=; no amino-acid change (serine 845 retained).
Molecular consequence: synonymous variant.
Genome position (GRCh38, 1-based): chr8:143,930,221, G>A on the plus strand (C>T on the coding strand, the complement: PLEC is on the minus strand). VCF-style: chr8-143930221-G-A. GRCh37 (hg19) VCF-style: chr8-145004389-G-A.
Other names: c.2616C>T, p.Ser872= (NM_000445.5); c.2493C>T, p.Ser831= (NM_201378.4); c.2469C>T, p.Ser823= (NM_201379.3); c.2946C>T, p.Ser982= (NM_201380.4); c.2439C>T, p.Ser813= (NM_201381.3); c.2535C>T, p.Ser845= (NM_201382.4); c.2547C>T, p.Ser849= (NM_201383.3).
Identifiers: ClinVar variation 501739 (VCV000501739.16), dbSNP rs199721954, ClinGen allele CA4927487.
Genomic context (GRCh38, chr8:143,930,221, plus strand): 5'-GGCCTCCTGGTTGGGCGGGGGCACCAGGAAGCACACGGAGGGCACGGCGGCCTCGCTGCC[G>A]GAGCTGCTGAGCACCTTCCAGTGGGACGGCTGTGCAGGGCCCACCAGCTGGCACTCGTCA-3'
Protein context (NP_958786.1, residues 835-855): QPSHWKVLSS[Ser845=]GSEAAVPSVC

ClinVar aggregate classification (germline): Conflicting classifications of pathogenicity. Review status: criteria provided, conflicting classifications (1 of 4 stars). 4 submissions from 4 submitters: Uncertain significance (1); Benign (1); Likely benign (1). 1 of the submissions does not count toward it. Last evaluated 2025-12-12.

Conditions:
Epidermolysis bullosa simplex 5B, with muscular dystrophy (EBS5B). Also called: EPIDERMOLYSIS BULLOSA SIMPLEX AND LIMB-GIRDLE MUSCULAR DYSTROPHY; Epidermolysis bullosa simplex with muscular dystrophy. Identifiers: Orphanet 257, MedGen C2931072, MONDO:0009181, OMIM 226670.
Autosomal recessive limb-girdle muscular dystrophy type 2Q (LGMDR17). Also called: MUSCULAR DYSTROPHY, LIMB-GIRDLE, AUTOSOMAL RECESSIVE 17. Identifiers: Orphanet 254361, MedGen C3150989, MONDO:0013390, OMIM 613723.
Epidermolysis bullosa simplex, Ogna type (EBS5A). Also called: Pidermolysis bullosa simplex 5A, Ogna type; EPIDERMOLYSIS BULLOSA SIMPLEX 5A, OGNA TYPE. Identifiers: Orphanet 79401, MedGen C0432317, MONDO:0007555, OMIM 131950.
Epidermolysis bullosa simplex with nail dystrophy (EBS5D). Identifiers: MedGen C4225309, MONDO:0014661, OMIM 616487.
Epidermolysis bullosa simplex 5C, with pyloric atresia (EBS5C). Also called: PLEC-Related Epidermolysis Bullosa with Pyloric Atresia; Epidermolysis bullosa simplex with pyloric atresia; PLEC1-Related Epidermolysis Bullosa with Pyloric Atresia. Identifiers: Orphanet 158684, MedGen C2677349, MONDO:0012807, OMIM 612138.
PLEC-related disorder. Also called: PLEC-related condition; PLEC-related disorders.

Allele frequency attached by ClinVar (database versions not stated): gnomAD 0.00016; 1000 Genomes Project 30x 0.00078; gnomAD exomes 0.00034; ExAC 0.00046; TOPMed 0.00019; 1000 Genomes Project 0.00020.
gnomAD v4.1: 148 of 1,588,482 alleles (0.0093%); highest among the groups gnomAD compares: East Asian, 0.27%; no homozygotes.

Submissions (4):

Labcorp Genetics (formerly Invitae), Labcorp
Classification: Benign for Autosomal recessive limb-girdle muscular dystrophy type 2Q; Epidermolysis bullosa simplex, Ogna type; Epidermolysis bullosa simplex with nail dystrophy; Epidermolysis bullosa simplex 5C, with pyloric atresia; Epidermolysis bullosa simplex 5B, with muscular dystrophy. Last evaluated: 2025-12-12. Review status: criteria provided, single submitter. Criteria: Invitae Variant Classification Sherloc (09022015). Collection method: clinical testing. Allele origin: germline.

Blueprint Genetics
Classification: Likely benign. Last evaluated: 2024-09-20. Review status: criteria provided, single submitter. Criteria: ACMG Guidelines, 2015. Collection method: clinical testing. Allele origin: germline.

Eurofins Ntd Llc (ga)
Classification: Uncertain significance. Last evaluated: 2017-05-05. Review status: criteria provided, single submitter. Criteria: EGL Classification Definitions 2015. Collection method: clinical testing. Allele origin: germline. Observed: 1 variant allele, 1 heterozygote.

PreventionGenetics, part of Exact Sciences
Classification: Likely benign for PLEC-related condition. Last evaluated: 2019-06-26. Review status: no assertion criteria provided. Collection method: clinical testing. Allele origin: germline. Not counted in ClinVar's aggregate classification.
Comment: This variant is classified as likely benign based on ACMG/AMP sequence variant interpretation guidelines (Richards et al. 2015 PMID: 25741868, with internal and published modifications).